The following is an entry in ClinVar:

ClinVar aggregate classification (germline): Pathogenic (1 of 4 stars; one submission).

Conditions:
Citrullinemia type I (CTNL1). Also called: ASS DEFICIENCY; argininosuccinate synthetase deficiency. Identifiers: Orphanet 247525, MedGen C4721769, MONDO:0008988, OMIM 215700.

Submission:

Myriad Genetics, Inc.
Classification: Pathogenic for Citrullinemia type I. Last evaluated: 2023-09-27. Review status: criteria provided, single submitter. Criteria: Myriad Autosomal Dominant, Autosomal Recessive and X-Linked Classification Criteria (2023). Collection method: clinical testing. Allele origin: unknown.
Comment: NM_000050.4(ASS1):c.1090dupG(E364Gfs*9) is expected to be pathogenic in the context of citrullinemia type 1. This variant is predicted to lead to an abnormal or absent protein product due to the creation of a premature termination codon in ASS1, a gene where loss-of-function variants are known to be pathogenic. Please note: this variant was assessed in the context of healthy population screening.

NM_054012.4(ASS1):c.1090dup (p.Glu364fs)

Gene: ASS1 (argininosuccinate synthase 1; plus strand). Cytogenetic location: 9q34.11.
Variant type: Duplication.
Coding change: c.1090dup on transcript NM_054012.4 (MANE Select); coding-DNA position 1090, one base duplicated (G; older notation c.1090dupG).
Protein change: p.Glu364fs; shifts the reading frame from glutamic acid 364.
Molecular consequence: frameshift variant.
Genome position (GRCh38, 1-based): chr9:130,494,986, G duplicated; the last of 3 consecutive G bases (chr9:130,494,984-130,494,986); duplicating any one gives the same sequence. VCF-style (leftmost placement, unchanged base first): chr9-130494983-C-CG. GRCh37 (hg19) VCF-style: chr9-133370370-C-CG.
Other names: c.1090dup, p.Glu364fs (NM_000050.4); short protein forms E364fs.
Identifiers: ClinVar variation 5012063 (VCV005012063.1).